The following is an entry in ClinVar:

ClinVar aggregate classification (germline): Benign. Review status: criteria provided, multiple submitters, no conflicts (2 of 4 stars). 2 submissions from 2 submitters: Benign (2). Last evaluated 2026-02-01.

Conditions:
Primary immunodeficiency with post-measles-mumps-rubella vaccine viral infection. Also called: Immunodeficiency 44. Identifiers: Orphanet 431166, MedGen C4225260, MONDO:0014715, OMIM 616636.

Submissions (2):

Labcorp Genetics (formerly Invitae), Labcorp
Classification: Benign for Primary immunodeficiency with post-measles-mumps-rubella vaccine viral infection. Last evaluated: 2026-02-01. Review status: criteria provided, single submitter. Criteria: Invitae Variant Classification Sherloc (09022015). Collection method: clinical testing. Allele origin: germline.

Mayo Clinic Laboratories, Mayo Clinic
Classification: Benign. Last evaluated: 2023-07-21. Review status: criteria provided, single submitter. Criteria: ACMG Guidelines, 2015. Collection method: clinical testing. Allele origin: germline. Observed: 10 variant alleles.
Comment: BA1, BS2

NM_005419.4(STAT2):c.2472_2473delinsCT (p.Gly825Cys)

Gene: STAT2 (signal transducer and activator of transcription 2; minus strand). Cytogenetic location: 12q13.3.
Variant type: Indel.
Coding change: c.2472_2473delinsCT on transcript NM_005419.4 (MANE Select); coding-DNA positions 2472 to 2473, TG replaced by CT.
Protein change: p.Gly825Cys; replaces glycine 825 with cysteine.
Molecular consequence: missense variant.
Genome position (GRCh38, 1-based): chr12:56,343,472-56,343,473, CA replaced by AG on the plus strand (TG replaced by CT on the coding strand, the reverse complement: STAT2 is on the minus strand). VCF-style: chr12-56343472-CA-AG. GRCh37 (hg19) VCF-style: chr12-56737256-CA-AG.
Other names: p.Gly825Cys; c.2460_2461delinsCT, p.Gly821Cys (NM_198332.2); c.2472_2473delinsCT, p.Gly825Cys (LRG_1329t1); c.2472_2473delinsCT (NM_005419.3); short protein forms G825C, G821C.
Identifiers: ClinVar variation 475691 (VCV000475691.12), dbSNP rs1555169006, ClinGen allele CA658658160.
Genomic context (GRCh38, chr12:56,343,472, plus strand): 5'-GTCCATCAGTGTAGAAGTGGCTGGGGCGGGAGACGTAAACCTCATCCACGGTGTTCTGGC[CA>AG]GCCAACAGTGGGTCACCATTCGGCATGATTTCTTCAATCTTTACACAGTTTCTGAAGACT-3'
Protein context (NP_005410.1, residues 815-835): IMPNGDPLLA[Gly825Cys]QNTVDEVYVS